The following is an entry in ClinVar:

NM_000051.4(ATM):c.3271G>A (p.Glu1091Lys)

Gene: ATM (ATM serine/threonine kinase; plus strand). Cytogenetic location: 11q22.3.
Variant type: single nucleotide variant.
Coding change: c.3271G>A on transcript NM_000051.4 (MANE Select); coding-DNA position 3271, G replaced by A.
Protein change: p.Glu1091Lys; replaces glutamic acid 1091 with lysine.
Molecular consequence: missense variant.
Genome position (GRCh38, 1-based): chr11:108,272,839, G>A. VCF-style: chr11-108272839-G-A. GRCh37 (hg19) VCF-style: chr11-108143566-G-A.
Other names: c.3271G>A, p.Glu1091Lys (NM_001351834.2); short protein forms E1091K.
Identifiers: ClinVar variation 1415696 (VCV001415696.8), dbSNP rs2135573046, ClinGen allele CA382516187.

ClinVar aggregate classification (germline): Uncertain significance (1 of 4 stars; one submission).

Conditions:
Ataxia-telangiectasia syndrome (AT). Also called: LOUIS-BAR SYNDROME; Cerebello-oculocutaneous telangiectasia; Immunodeficiency with ataxia telangiectasia; ATAXIA-TELANGIECTASIA, COMPLEMENTATION GROUP A; ATAXIA-TELANGIECTASIA, FRESNO VARIANT; Ataxia-telangiectasia, complementation group D. Identifiers: Orphanet 100, MedGen C0004135, MONDO:0008840, OMIM 208900.

Submission:

Labcorp Genetics (formerly Invitae), Labcorp
Classification: Uncertain significance for Ataxia-telangiectasia syndrome. Last evaluated: 2022-03-23. Review status: criteria provided, single submitter. Criteria: Invitae Variant Classification Sherloc (09022015). Collection method: clinical testing. Allele origin: germline.
Comment: This sequence change replaces glutamic acid, which is acidic and polar, with lysine, which is basic and polar, at codon 1091 of the ATM protein (p.Glu1091Lys). This variant is not present in population databases (gnomAD no frequency). This variant has not been reported in the literature in individuals affected with ATM-related conditions. Advanced modeling of protein sequence and biophysical properties (such as structural, functional, and spatial information, amino acid conservation, physicochemical variation, residue mobility, and thermodynamic stability) performed at Invitae indicates that this missense variant is not expected to disrupt ATM protein function. In summary, the available evidence is currently insufficient to determine the role of this variant in disease. Therefore, it has been classified as a Variant of Uncertain Significance.